The following is an entry in ClinVar:

NM_000368.5(TSC1):c.1469C>A (p.Thr490Asn)

Gene: TSC1 (TSC complex subunit 1; minus strand). Cytogenetic location: 9q34.13.
Variant type: single nucleotide variant.
Coding change: c.1469C>A on transcript NM_000368.5 (MANE Select); coding-DNA position 1469, C replaced by A.
Protein change: p.Thr490Asn; replaces threonine 490 with asparagine.
Molecular consequence: missense variant.
Genome position (GRCh38, 1-based): chr9:132,906,109, G>T on the plus strand (C>A on the coding strand, the complement: TSC1 is on the minus strand). VCF-style: chr9-132906109-G-T. GRCh37 (hg19) VCF-style: chr9-135781496-G-T.
Other names: c.1466C>A, p.Thr489Asn (NM_001406608.1, NM_001406609.1, NM_001162426.2 and 6 more transcripts); c.1316C>A, p.Thr439Asn (NM_001406610.1, NM_001162427.2); c.1313C>A, p.Thr438Asn (NM_001406611.1, NM_001406612.1, NM_001406613.1); c.1106C>A, p.Thr369Asn (NM_001406614.1, NM_001406615.1, NM_001406616.1 and 5 more transcripts); c.1469C>A, p.Thr490Asn (NM_001406592.1, NM_001406593.1, NM_001406594.1 and 7 more transcripts); c.1103C>A, p.Thr368Asn (NM_001406620.1, NM_001406621.1, NM_001406622.1 and 2 more transcripts); c.518C>A, p.Thr173Asn (NM_001406626.1); c.515C>A, p.Thr172Asn (NM_001406627.1, NM_001406628.1); and 1 more; short protein forms T139N, T172N, T173N, T368N, T369N, T438N, T439N, T489N.
Identifiers: ClinVar variation 1721945 (VCV001721945.5), dbSNP rs1564482593, ClinGen allele CA375365498.

ClinVar aggregate classification (germline): Uncertain significance (1 of 4 stars; one submission).

Conditions:
Tuberous sclerosis 1 (TSC1). Identifiers: Orphanet 805, MedGen C1854465, MONDO:0008612, OMIM 191100.

Submission:

Labcorp Genetics (formerly Invitae), Labcorp
Classification: Uncertain significance for Tuberous sclerosis 1. Last evaluated: 2022-07-14. Review status: criteria provided, single submitter. Criteria: Invitae Variant Classification Sherloc (09022015). Collection method: clinical testing. Allele origin: germline.
Comment: This sequence change replaces threonine, which is neutral and polar, with asparagine, which is neutral and polar, at codon 490 of the TSC1 protein (p.Thr490Asn). This variant is not present in population databases (gnomAD no frequency). This variant has not been reported in the literature in individuals affected with TSC1-related conditions. Algorithms developed to predict the effect of missense changes on protein structure and function (SIFT, PolyPhen-2, Align-GVGD) all suggest that this variant is likely to be tolerated. In summary, the available evidence is currently insufficient to determine the role of this variant in disease. Therefore, it has been classified as a Variant of Uncertain Significance.